The following is an entry in ClinVar:

NM_001698.3(AUH):c.973C>G (p.Leu325Val)

Gene: AUH (AU RNA binding methylglutaconyl-CoA hydratase; minus strand). Cytogenetic location: 9q22.31.
Variant type: single nucleotide variant.
Coding change: c.973C>G on transcript NM_001698.3 (MANE Select); coding-DNA position 973, C replaced by G.
Protein change: p.Leu325Val; replaces leucine 325 with valine.
Molecular consequence: missense variant.
Genome position (GRCh38, 1-based): chr9:91,214,395, G>C on the plus strand (C>G on the coding strand, the complement: AUH is on the minus strand). VCF-style: chr9-91214395-G-C. GRCh37 (hg19) VCF-style: chr9-93976677-G-C.
Other names: c.886C>G, p.Leu296Val (NM_001306190.2); c.646C>G, p.Leu216Val (NM_001351431.2, NM_001351432.2); c.598C>G, p.Leu200Val (NM_001351433.2); short protein forms L216V, L325V, L200V, L296V.
Identifiers: ClinVar variation 2145672 (VCV002145672.3), dbSNP rs1211253373, ClinGen allele CA373835498.

ClinVar aggregate classification (germline): Uncertain significance. Review status: criteria provided, multiple submitters, no conflicts (2 of 4 stars). 2 submissions from 2 submitters: Uncertain significance (2). Last evaluated 2023-09-26.

Conditions:
Inborn genetic diseases. Identifiers: MedGen C0950123, MeSH D030342.
3-methylglutaconic aciduria type 1 (MGCA1). Identifiers: Orphanet 67046, MedGen C0342727, MONDO:0009610, OMIM 250950.

Allele frequency attached by ClinVar (database versions not stated): gnomAD exomes 0.00006; gnomAD 0.00002; TOPMed 0.00001.
gnomAD v4.1: 86 of 1,610,022 alleles (0.0053%); highest among the groups gnomAD compares: Non-Finnish European, 0.007%; no homozygotes.

Submissions (2):

Ambry Genetics
Classification: Uncertain significance for Inborn genetic diseases. Last evaluated: 2023-09-26. Review status: criteria provided, single submitter. Criteria: Ambry Variant Classification Scheme 2023. Collection method: clinical testing. Allele origin: germline.

Labcorp Genetics (formerly Invitae), Labcorp
Classification: Uncertain significance for 3-methylglutaconic aciduria type 1. Last evaluated: 2022-10-02. Review status: criteria provided, single submitter. Criteria: Invitae Variant Classification Sherloc (09022015). Collection method: clinical testing. Allele origin: germline.
Comment: In summary, the available evidence is currently insufficient to determine the role of this variant in disease. Therefore, it has been classified as a Variant of Uncertain Significance. Advanced modeling of protein sequence and biophysical properties (such as structural, functional, and spatial information, amino acid conservation, physicochemical variation, residue mobility, and thermodynamic stability) performed at Invitae indicates that this missense variant is not expected to disrupt AUH protein function. This variant has not been reported in the literature in individuals affected with AUH-related conditions. This variant is present in population databases (no rsID available, gnomAD 0.004%). This sequence change replaces leucine, which is neutral and non-polar, with valine, which is neutral and non-polar, at codon 325 of the AUH protein (p.Leu325Val).